The following is an entry in ClinVar:

ClinVar aggregate classification (germline): Uncertain significance (1 of 4 stars; one submission).

Conditions:
Jeune thoracic dystrophy. Also called: Jeune syndrome; Infantile thoracic dystrophy; Thoracic pelvic phalangeal dystrophy; Jeune's syndrome; Chondroectodermal dysplasia-like syndrome; Short-rib thoracic dysplasia. Identifiers: Orphanet 474, MedGen C0265275, MONDO:0018770.
Nephronophthisis. Also called: Juvenile Nephronophthisis. Identifiers: Orphanet 655, MedGen C0687120, MONDO:0019005, HP:0000090.

Submission:

Labcorp Genetics (formerly Invitae), Labcorp
Classification: Uncertain significance for Jeune thoracic dystrophy; Nephronophthisis. Last evaluated: 2022-05-09. Review status: criteria provided, single submitter. Criteria: Invitae Variant Classification Sherloc (09022015). Collection method: clinical testing. Allele origin: germline.
Comment: This variant has not been reported in the literature in individuals affected with TTC21B-related conditions. This variant is not present in population databases (gnomAD no frequency). This sequence change replaces arginine, which is basic and polar, with glycine, which is neutral and non-polar, at codon 17 of the TTC21B protein (p.Arg17Gly). Algorithms developed to predict the effect of missense changes on protein structure and function output the following: SIFT: "Tolerated"; PolyPhen-2: "Benign"; Align-GVGD: "Class C0". The glycine amino acid residue is found in multiple mammalian species, which suggests that this missense change does not adversely affect protein function. In summary, the available evidence is currently insufficient to determine the role of this variant in disease. Therefore, it has been classified as a Variant of Uncertain Significance.

NM_024753.5(TTC21B):c.49A>G (p.Arg17Gly)

Gene: TTC21B (tetratricopeptide repeat domain 21B; minus strand). Cytogenetic location: 2q24.3.
Variant type: single nucleotide variant.
Coding change: c.49A>G on transcript NM_024753.5 (MANE Select); coding-DNA position 49, A replaced by G.
Protein change: p.Arg17Gly; replaces arginine 17 with glycine.
Molecular consequence: missense variant.
Genome position (GRCh38, 1-based): chr2:165,949,697, T>C on the plus strand (A>G on the coding strand, the complement: TTC21B is on the minus strand). VCF-style: chr2-165949697-T-C. GRCh37 (hg19) VCF-style: chr2-166806207-T-C.
Other names: short protein forms R17G.
Identifiers: ClinVar variation 1946263 (VCV001946263.5), dbSNP rs2468255379, ClinGen allele CA349056506.